The following is an entry in ClinVar:

ClinVar aggregate classification (germline): Pathogenic (1 of 4 stars; one submission).

Conditions:
Baller-Gerold syndrome (BGS). Also called: CRANIOSYNOSTOSIS WITH RADIAL DEFECTS. Identifiers: Orphanet 1225, MedGen C0265308, MONDO:0009039, OMIM 218600.

Submission:

Labcorp Genetics (formerly Invitae), Labcorp
Classification: Pathogenic for Baller-Gerold syndrome. Last evaluated: 2021-09-25. Review status: criteria provided, single submitter. Criteria: Invitae Variant Classification Sherloc (09022015). Collection method: clinical testing. Allele origin: germline.
Comment: For these reasons, this variant has been classified as Pathogenic. This variant has not been reported in the literature in individuals affected with RECQL4-related conditions. This variant is not present in population databases (ExAC no frequency). This sequence change creates a premature translational stop signal (p.Asn699Lysfs*110) in the RECQL4 gene. It is expected to result in an absent or disrupted protein product. Loss-of-function variants in RECQL4 are known to be pathogenic (PMID: 12734318, 12952869).

Literature cited by the submitters: PubMed 12734318; PubMed 12952869.

NM_004260.4(RECQL4):c.2096dup (p.Asn699fs)

Gene: RECQL4 (RecQ like helicase 4; minus strand). Cytogenetic location: 8q24.3.
Variant type: Duplication.
Coding change: c.2096dup on transcript NM_004260.4 (MANE Select); coding-DNA position 2096, one base duplicated (A; older notation c.2096dupA).
Protein change: p.Asn699fs; shifts the reading frame from asparagine 699.
Molecular consequence: frameshift variant.
Genome position (GRCh38, 1-based): chr8:144,513,675, T duplicated on the plus strand (A on the coding strand, the reverse complement: RECQL4 is on the minus strand); the first of 4 consecutive T bases (chr8:144,513,675-144,513,678); duplicating any one gives the same sequence. VCF-style (leftmost placement, unchanged base first): chr8-144513674-G-GT. GRCh37 (hg19) VCF-style: chr8-145739058-G-GT.
Other names: short protein forms N699fs.
Identifiers: ClinVar variation 1412385 (VCV001412385.6), dbSNP rs2130684253, ClinGen allele CA2573143082.